The following is an entry in ClinVar:

ClinVar aggregate classification (germline): Uncertain significance (1 of 4 stars; one submission).

Submission:

GeneDx
Classification: Uncertain significance. Last evaluated: 2024-10-08. Review status: criteria provided, single submitter. Criteria: GeneDx Variant Classification Process June 2021. Collection method: clinical testing. Allele origin: germline. Affected: yes.
Comment: Not observed at significant frequency in large population cohorts (gnomAD); In silico analysis supports that this missense variant has a deleterious effect on protein structure/function; Has not been previously published as pathogenic or benign to our knowledge

NM_001184880.2(PCDH19):c.1256A>G (p.Tyr419Cys)

Gene: PCDH19 (protocadherin 19; minus strand). Cytogenetic location: Xq22.1.
Variant type: single nucleotide variant.
Coding change: c.1256A>G on transcript NM_001184880.2 (MANE Select); coding-DNA position 1256, A replaced by G.
Protein change: p.Tyr419Cys; replaces tyrosine 419 with cysteine.
Molecular consequence: missense variant.
Genome position (GRCh38, 1-based): chrX:100,407,342, T>C on the plus strand (A>G on the coding strand, the complement: PCDH19 is on the minus strand). VCF-style: chrX-100407342-T-C. GRCh37 (hg19) VCF-style: chrX-99662340-T-C.
Other names: c.1256A>G, p.Tyr419Cys (NM_001105243.2, NM_020766.3); short protein forms Y419C.
Identifiers: ClinVar variation 3777527 (VCV003777527.1).